The following is an entry in ClinVar:

NM_001267550.2(TTN):c.100558_100561dup (p.Gly33521fs)

Genes: TTN-AS1 (TTN antisense RNA 1; plus strand), TTN (titin; minus strand). Cytogenetic location: 2q31.2.
Variant type: Duplication.
Coding change: c.100558_100561dup on transcript NM_001267550.2 (MANE Select); coding-DNA positions 100558 to 100561, 4 bases duplicated (ACTG; older notation c.100558_100561dupACTG).
Protein change: p.Gly33521fs; shifts the reading frame from glycine 33521.
Molecular consequence: frameshift variant.
Genome position (GRCh38, 1-based): chr2:178,536,186-178,536,189, CAGT duplicated on the plus strand (ACTG on the coding strand, the reverse complement: TTN is on the minus strand); duplicating any 4 consecutive bases within chr2:178,536,186-178,536,191 gives the same sequence; the c. name uses the placement nearest the transcript's 3' end. VCF-style (leftmost placement, unchanged base first): chr2-178536185-C-CCAGT. GRCh37 (hg19) VCF-style: chr2-179400912-C-CCAGT.
Other names: c.95635_95638dupACTG (NM_001256850.1); c.95635_95638dup, p.Gly31880fs (NM_001256850.1); c.73363_73366dup, p.Gly24456fs (NM_003319.4); c.92854_92857dup, p.Gly30953fs (NM_133378.4); c.73738_73741dup, p.Gly24581fs (NM_133432.3); c.73939_73942dup, p.Gly24648fs (NM_133437.4); short protein forms G24581fs, G33521fs, G24456fs, G24648fs, G31880fs, G30953fs.
Identifiers: ClinVar variation 452703 (VCV000452703.3), dbSNP rs1553501572, ClinGen allele CA658657125.
Genomic context (GRCh38, chr2:178,536,185, plus strand): 5'-AATCCATCTGCAATGATTTCTTTGCCTTGTCTGTACCATTTGACGATAGGTTTTGGATGA[C>CCAGT]CAGTCACTTTGCAGACCAAGGTAGCATTGCTCTGATATCTGACATTTAGATTTCTCAGTT-3'

ClinVar aggregate classification (germline): Likely pathogenic. Review status: criteria provided, single submitter (1 of 4 stars). 2 submissions from 2 submitters: Likely pathogenic (1). 1 of the submissions does not count toward it. Last evaluated 2017-10-10.

Conditions:
Dilated cardiomyopathy 1G (CMD1G). Identifiers: Orphanet 154, MedGen C1858763, MONDO:0011400, OMIM 604145.

Submissions (2):

GeneDx
Classification: Likely pathogenic. Last evaluated: 2017-10-10. Review status: criteria provided, single submitter. Criteria: GeneDx Variant Classification (06012015). Collection method: clinical testing. Allele origin: germline. Affected: yes.
Comment: The c.95635_95638dupACTG variant in the TTN gene has not been reported previously as a pathogenic variant or as a benign variant, to our knowledge. This variant is not observed in large population cohorts (Lek et al., 2016). Additionally, c.95635_95638dupACTG causes a shift in reading frame starting at codon glycine 31880, changing it to an aspartic acid, and creating a premature stop codon at position 25 of the new reading frame, denoted p.Gly31880AspfsX25. This likely pathogenic variant is expected to result in either an abnormal, truncated protein product or loss of protein from this allele through nonsense-mediated mRNA decay. Other frameshift variants in the TTN gene have been reported in Human Gene Mutation Database in association with DCM (Stenson et al., 2014). However, c.95635_95638dupACTG is not located in the A-band region of titin, where the majority of truncating pathogenic variants associated with DCM have been reported (Herman et al., 2012). Other truncating variants in the M-band of titin, where this variant occurs, have been reported in association with an autosomal recessive early-onset myopathy with cardiomyopathy (Carmignac et al., 2007), and heterozygous parents were reportedly healthy. Furthermore, other nonsense and frameshift TTN variants have been reported in approximately 3% of control alleles (Herman et al., 2012).

Cardiogenetics and Myogenetics Molecular and Cellular Functional Unit, Aphp Sorbonne University-Hopital Pitie Salpetriere
Classification: Likely pathogenic for Dilated cardiomyopathy 1G. Last evaluated: 2024-01-06. Review status: no assertion criteria provided. Collection method: clinical testing. Allele origin: germline. Affected: yes. Not counted in ClinVar's aggregate classification.